The following is an entry in ClinVar:

NM_000030.3(AGXT):c.307G>A (p.Gly103Arg)

Gene: AGXT (alanine--glyoxylate aminotransferase; plus strand). Cytogenetic location: 2q37.3.
Variant type: single nucleotide variant.
Coding change: c.307G>A on transcript NM_000030.3 (MANE Select); coding-DNA position 307, G replaced by A.
Protein change: p.Gly103Arg; replaces glycine 103 with arginine.
Molecular consequence: missense variant.
Genome position (GRCh38, 1-based): chr2:240,869,311, G>A. VCF-style: chr2-240869311-G-A. GRCh37 (hg19) VCF-style: chr2-241808728-G-A.
Other names: short protein forms G103R.
Identifiers: ClinVar variation 1477898 (VCV001477898.6), dbSNP rs2106427637, ClinGen allele CA351313777.
Genomic context (GRCh38, chr2:240,869,311, plus strand): 5'-CACTGTGCCCTGGAGGCCGCCCTGGTCAATGTGCTGGAGCCTGGGGACTCCTTCCTGGTT[G>A]GGGCCAATGGCATTTGGGGGCAGCGAGCCGTGGACATCGGGGAGCGCATAGGTAAGGGAG-3'
Protein context (NP_000021.1, residues 93-113): VLEPGDSFLV[Gly103Arg]ANGIWGQRAV

ClinVar aggregate classification (germline): Likely pathogenic (1 of 4 stars; one submission).

Submission:

Labcorp Genetics (formerly Invitae), Labcorp
Classification: Likely pathogenic. Last evaluated: 2023-03-07. Review status: criteria provided, single submitter. Criteria: Invitae Variant Classification Sherloc (09022015). Collection method: clinical testing. Allele origin: germline.
Comment: In summary, the currently available evidence indicates that the variant is pathogenic, but additional data are needed to prove that conclusively. Therefore, this variant has been classified as Likely Pathogenic. Advanced modeling of protein sequence and biophysical properties (such as structural, functional, and spatial information, amino acid conservation, physicochemical variation, residue mobility, and thermodynamic stability) performed at Invitae indicates that this missense variant is not expected to disrupt AGXT protein function. ClinVar contains an entry for this variant (Variation ID: 1477898). This missense change has been observed in individual(s) with hyperoxaluria (PMID: 29319775). This variant is not present in population databases (gnomAD no frequency). This sequence change replaces glycine, which is neutral and non-polar, with arginine, which is basic and polar, at codon 103 of the AGXT protein (p.Gly103Arg).

Literature cited by the submitters: PubMed 29319775.